The following is an entry in ClinVar:

NM_001378778.1(MPDZ):c.4192C>G (p.Leu1398Val)

Gene: MPDZ (multiple PDZ domain crumbs cell polarity complex component; minus strand). Cytogenetic location: 9p23.
Variant type: single nucleotide variant.
Coding change: c.4192C>G on transcript NM_001378778.1 (MANE Select); coding-DNA position 4192, C replaced by G.
Protein change: p.Leu1398Val; replaces leucine 1398 with valine.
Molecular consequence: missense variant.
Genome position (GRCh38, 1-based): chr9:13,137,965, G>C on the plus strand (C>G on the coding strand, the complement: MPDZ is on the minus strand). VCF-style: chr9-13137965-G-C. GRCh37 (hg19) VCF-style: chr9-13137964-G-C.
Other names: c.4093C>G, p.Leu1365Val (NM_001261406.2, NM_001261407.2, NM_001375416.1 and 3 more transcripts); c.4192C>G, p.Leu1398Val (NM_001330637.2, NM_001375413.1, NM_003829.5); c.3982C>G, p.Leu1328Val (NM_001375420.1, NM_001375421.1, NM_001375422.1 and 4 more transcripts); c.3784C>G, p.Leu1262Val (NM_001375427.1); c.4192C>G (NM_003829.3); short protein forms L1398V, L1328V, L1262V, L1365V.
Identifiers: ClinVar variation 1509443 (VCV001509443.6), dbSNP rs534991500, ClinGen allele CA4986812.

ClinVar aggregate classification (germline): Uncertain significance. Review status: criteria provided, multiple submitters, no conflicts (2 of 4 stars). 2 submissions from 2 submitters: Uncertain significance (2). Last evaluated 2025-04-12.

Conditions:
Inborn genetic diseases. Identifiers: MedGen C0950123, MeSH D030342.

Allele frequency attached by ClinVar (database versions not stated): gnomAD exomes 0.00003; 1000 Genomes Project 0.00080; gnomAD 0.00003; ExAC 0.00005; 1000 Genomes Project 30x 0.00062.
gnomAD v4.1: 28 of 1,613,626 alleles (0.0017%); highest among the groups gnomAD compares: South Asian, 0.03%; no homozygotes.

Submissions (2):

Ambry Genetics
Classification: Uncertain significance for Inborn genetic diseases. Last evaluated: 2025-04-12. Review status: criteria provided, single submitter. Criteria: Ambry Variant Classification Scheme 2023. Collection method: clinical testing. Allele origin: germline.

Labcorp Genetics (formerly Invitae), Labcorp
Classification: Uncertain significance. Last evaluated: 2023-08-04. Review status: criteria provided, single submitter. Criteria: Invitae Variant Classification Sherloc (09022015). Collection method: clinical testing. Allele origin: germline.
Comment: This missense change has been observed in individual(s) with inherited retinal dystrophy (Invitae). This sequence change replaces leucine, which is neutral and non-polar, with valine, which is neutral and non-polar, at codon 1398 of the MPDZ protein (p.Leu1398Val). This variant is present in population databases (rs534991500, gnomAD 0.03%). ClinVar contains an entry for this variant (Variation ID: 1509443). An algorithm developed to predict the effect of missense changes on protein structure and function (PolyPhen-2) suggests that this variant is likely to be disruptive. In summary, the available evidence is currently insufficient to determine the role of this variant in disease. Therefore, it has been classified as a Variant of Uncertain Significance.